The following is an entry in ClinVar:

ClinVar aggregate classification (germline): Conflicting classifications of pathogenicity. Review status: criteria provided, conflicting classifications (1 of 4 stars). 12 submissions from 8 submitters: Uncertain significance (5); Benign (2); Likely benign (5). Last evaluated 2025-12-31.

Conditions:
Autosomal recessive limb-girdle muscular dystrophy type 2J (LGMDR10). Also called: Limb-girdle muscular dystrophy, type 2J; MUSCULAR DYSTROPHY, LIMB-GIRDLE, AUTOSOMAL RECESSIVE 10. Identifiers: Orphanet 140922, MedGen C1837342, MONDO:0012127, OMIM 608807.
Dilated cardiomyopathy 1G (CMD1G). Identifiers: Orphanet 154, MedGen C1858763, MONDO:0011400, OMIM 604145.
TTN-related disorder. Also called: TTN-related condition; TTN-related disease; TTN-related disorders.
Tibial muscular dystrophy (TMD). Also called: Udd Distal Myopathy – Tibial Muscular Dystrophy; UDD MYOPATHY; Tibial muscular dystrophy, tardive. Identifiers: Orphanet 609, MedGen C1838244, MONDO:0010870, OMIM 600334.
Early-onset myopathy with fatal cardiomyopathy (CMYO5). Also called: Salih Myopathy; CONGENITAL MYOPATHY 5 WITH CARDIOMYOPATHY. Identifiers: Orphanet 289377, MedGen C2673677, MONDO:0012714, OMIM 611705. Disease mechanism: loss of function.
Myopathy, myofibrillar, 9, with early respiratory failure (MFM9). Also called: Hereditary myopathy with early respiratory failure; MYOPATHY, PROXIMAL, WITH EARLY RESPIRATORY MUSCLE INVOLVEMENT; EDSTROM MYOPATHY; Myopathy, distal, with early respiratory failure, autosomal dominant. Identifiers: Orphanet 178464, Orphanet 34521, MedGen C1863599, MONDO:0011362, OMIM 603689.

Allele frequency attached by ClinVar (database versions not stated): gnomAD exomes 0.00003 and 0.00015; gnomAD 0.00004 and 0.00005; TOPMed 0.00009; ExAC 0.00014; 1000 Genomes Project 30x 0.00016; 1000 Genomes Project 0.00020.
gnomAD v4.1: 55 of 1,613,244 alleles (0.0034%); highest among the groups gnomAD compares: East Asian, 0.092%; no homozygotes.

Submissions (12):

Labcorp Genetics (formerly Invitae), Labcorp
Classification: Likely benign for Dilated cardiomyopathy 1G; Autosomal recessive limb-girdle muscular dystrophy type 2J. Last evaluated: 2025-12-31. Review status: criteria provided, single submitter. Criteria: Invitae Variant Classification Sherloc (09022015). Collection method: clinical testing. Allele origin: germline.

PreventionGenetics, part of Exact Sciences
Classification: Likely benign for TTN-related condition. Last evaluated: 2025-06-24. Review status: criteria provided, single submitter. Criteria: ACMG Guidelines, 2015. Collection method: clinical testing. Allele origin: germline.
Comment: This variant is classified as likely benign based on ACMG/AMP sequence variant interpretation guidelines (Richards et al. 2015 PMID: 25741868, with internal and published modifications).

Blueprint Genetics
Classification: Likely benign. Last evaluated: 2024-09-23. Review status: criteria provided, single submitter. Criteria: ACMG Guidelines, 2015. Collection method: clinical testing. Allele origin: germline.

Revvity Omics, Revvity
Classification: Uncertain significance. Last evaluated: 2023-09-14. Review status: criteria provided, single submitter. Criteria: ACMG Guidelines, 2015. Collection method: clinical testing. Allele origin: germline.

Women's Health and Genetics/Laboratory Corporation of America, LabCorp
Classification: Likely benign. Last evaluated: 2019-11-05. Review status: criteria provided, single submitter. Criteria: LabCorp Variant Classification Summary - May 2015. Collection method: clinical testing. Allele origin: germline.
Comment: Variant summary: TTN c.65813G>A (p.Gly21938Asp) results in a non-conservative amino acid change located in the A-band region of the encoded protein sequence. Five of five in-silico tools predict a damaging effect of the variant on protein function. The variant allele was found at a frequency of 0.00015 in 247986 control chromosomes, predominantly at a frequency of 0.0019 within the East Asian subpopulation in the gnomAD database. The observed variant frequency within East Asian control individuals in the gnomAD database is approximately 3-fold the estimated maximal expected allele frequency for a pathogenic variant in TTN causing Cardiomyopathy phenotype (0.00063), strongly suggesting that the variant is a benign polymorphism found primarily in populations of East Asian origin. To our knowledge, no occurrence of c.65813G>A in individuals affected with Cardiomyopathy and no experimental evidence demonstrating an impact on protein function have been reported. Two clinical diagnostic laboratories have submitted clinical-significance assessments for this variant to ClinVar after 2014 without evidence for independent evaluation. One laboratory cited the variant as likely benign, and one laboratory cited the variant as uncertain significance. Based on the evidence outlined above, the variant was classified as likely benign.

GeneDx
Classification: Likely benign. Last evaluated: 2018-07-30. Review status: criteria provided, single submitter. Criteria: GeneDx Variant Classification Process June 2021. Collection method: clinical testing. Allele origin: germline. Affected: yes.

Illumina Laboratory Services, Illumina
Classification: Benign for Tibial muscular dystrophy. Last evaluated: 2018-01-12. Review status: criteria provided, single submitter. Criteria: ICSL Variant Classification Criteria 13 December 2019. Collection method: clinical testing. Allele origin: germline.
Comment: This variant was observed in the ICSL laboratory as part of a predisposition screen in an ostensibly healthy population. It had not been previously curated by ICSL or reported in the Human Gene Mutation Database (HGMD: prior to June 1st, 2018), and was therefore a candidate for classification through an automated scoring system. Utilizing variant allele frequency, disease prevalence and penetrance estimates, and inheritance mode, an automated score was calculated to assess if this variant is too frequent to cause the disease. Based on the score and internal cut-off values, a variant classified as benign is not then subjected to further curation. The score for this variant resulted in a classification of benign for this disease.

Illumina Laboratory Services, Illumina
Classification: Uncertain significance for Dilated cardiomyopathy 1G. Last evaluated: 2018-01-12. Review status: criteria provided, single submitter. Criteria: ICSL Variant Classification Criteria 13 December 2019. Collection method: clinical testing. Allele origin: germline.

Illumina Laboratory Services, Illumina
Classification: Uncertain significance for Autosomal recessive limb-girdle muscular dystrophy type 2J. Last evaluated: 2018-01-12. Review status: criteria provided, single submitter. Criteria: ICSL Variant Classification Criteria 13 December 2019. Collection method: clinical testing. Allele origin: germline.

Illumina Laboratory Services, Illumina
Classification: Benign for Myopathy, myofibrillar, 9, with early respiratory failure. Last evaluated: 2018-01-12. Review status: criteria provided, single submitter. Criteria: ICSL Variant Classification Criteria 13 December 2019. Collection method: clinical testing. Allele origin: germline.
Comment: the same text as in the submission from Illumina Laboratory Services, Illumina above.

Illumina Laboratory Services, Illumina
Classification: Uncertain significance for Early-onset myopathy with fatal cardiomyopathy. Last evaluated: 2018-01-12. Review status: criteria provided, single submitter. Criteria: ICSL Variant Classification Criteria 13 December 2019. Collection method: clinical testing. Allele origin: germline.

Laboratory for Molecular Medicine, Mass General Brigham Personalized Medicine
Classification: Uncertain significance. Last evaluated: 2016-05-18. Review status: criteria provided, single submitter. Criteria: LMM Criteria. Collection method: clinical testing. Allele origin: germline. Observed: 1 variant allele.
Comment: Variant classified as Uncertain Significance - Favor Benign. The p.Gly21938Asp v ariant in TTN has not been previously reported in individuals with cardiomyopath y, but has been identified in 0.2% (16/8506) of East Asian chromosomes by the Ex ome Aggregation Consortium (ExAC; dbSNP rs567446 185). Computational prediction tools and conservation analysis suggest that the p.Gly21938Asp variant may impact the protein, though this information is not pre dictive enough to determine pathogenicity. In summary, while the clinical signif icance of the p.Gly21938Asp variant is uncertain, its frequency suggests that it is more likely to be benign.

NM_001267550.2(TTN):c.73517G>A (p.Gly24506Asp)

Genes: TTN (titin; minus strand), TTN-AS1 (TTN antisense RNA 1; plus strand). Cytogenetic location: 2q31.2.
Variant type: single nucleotide variant.
Coding change: c.73517G>A on transcript NM_001267550.2 (MANE Select); coding-DNA position 73517, G replaced by A.
Protein change: p.Gly24506Asp; replaces glycine 24506 with aspartic acid.
Molecular consequence: missense variant.
Genome position (GRCh38, 1-based): chr2:178,572,615, C>T on the plus strand (G>A on the coding strand, the complement: TTN is on the minus strand). VCF-style: chr2-178572615-C-T. GRCh37 (hg19) VCF-style: chr2-179437342-C-T.
Other names: c.65813G>A, p.Gly21938Asp (NM_133378.4); c.68594G>A, p.Gly22865Asp (NM_001256850.1); c.46322G>A, p.Gly15441Asp (NM_003319.4); c.46697G>A, p.Gly15566Asp (NM_133432.3); c.46898G>A, p.Gly15633Asp (NM_133437.4); short protein forms G24506D, G21938D, G15566D, G22865D, G15633D, G15441D.
Identifiers: ClinVar variation 467458 (VCV000467458.27), dbSNP rs567446185, ClinGen allele CA1990358.